The following is an entry in ClinVar:

NM_001113378.2(FANCI):c.2078A>G (p.Glu693Gly)

Gene: FANCI (FA complementation group I; plus strand). Cytogenetic location: 15q26.1.
Variant type: single nucleotide variant.
Coding change: c.2078A>G on transcript NM_001113378.2 (MANE Select); coding-DNA position 2078, A replaced by G.
Protein change: p.Glu693Gly; replaces glutamic acid 693 with glycine.
Molecular consequence: missense variant.
Genome position (GRCh38, 1-based): chr15:89,292,773, A>G. VCF-style: chr15-89292773-A-G. GRCh37 (hg19) VCF-style: chr15-89836004-A-G.
Other names: c.1799A>G, p.Glu600Gly (NM_001376910.1); c.2078A>G, p.Glu693Gly (NM_001376911.1, NM_018193.3); short protein forms E600G, E693G.
Identifiers: ClinVar variation 2857104 (VCV002857104.3), dbSNP rs2507392570, ClinGen allele CA393749038.

ClinVar aggregate classification (germline): Uncertain significance (1 of 4 stars; one submission).

Conditions:
Fanconi anemia (FA). Also called: Fanconi's anemia. Identifiers: Orphanet 84, MedGen C0015625, MeSH D005199, MONDO:0019391.

Submission:

Labcorp Genetics (formerly Invitae), Labcorp
Classification: Uncertain significance for Fanconi anemia. Last evaluated: 2023-04-17. Review status: criteria provided, single submitter. Criteria: Invitae Variant Classification Sherloc (09022015). Collection method: clinical testing. Allele origin: germline.
Comment: This sequence change replaces glutamic acid, which is acidic and polar, with glycine, which is neutral and non-polar, at codon 693 of the FANCI protein (p.Glu693Gly). In summary, the available evidence is currently insufficient to determine the role of this variant in disease. Therefore, it has been classified as a Variant of Uncertain Significance. Advanced modeling of protein sequence and biophysical properties (such as structural, functional, and spatial information, amino acid conservation, physicochemical variation, residue mobility, and thermodynamic stability) performed at Invitae indicates that this missense variant is not expected to disrupt FANCI protein function. This variant has not been reported in the literature in individuals affected with FANCI-related conditions. This variant is not present in population databases (gnomAD no frequency).